The following is an entry in ClinVar:

NM_003172.4(SURF1):c.595_598del (p.Gly199fs)

Gene: SURF1 (SURF1 cytochrome c oxidase assembly factor; minus strand). Cytogenetic location: 9q34.2.
Variant type: Deletion.
Coding change: c.595_598del on transcript NM_003172.4 (MANE Select); coding-DNA positions 595 to 598, 4 bases deleted (GGAG; older notation c.595_598delGGAG).
Protein change: p.Gly199fs; shifts the reading frame from glycine 199.
Molecular consequence: frameshift variant.
Genome position (GRCh38, 1-based): chr9:133,352,599-133,352,602, CTCC deleted on the plus strand (GGAG on the coding strand, the reverse complement: SURF1 is on the minus strand); deleting any 4 consecutive bases within chr9:133,352,599-133,352,605 gives the same sequence; the c. name uses the placement nearest the transcript's 3' end. VCF-style (leftmost placement, unchanged base first): chr9-133352598-TCTCC-T. GRCh37 (hg19) VCF-style: chr9-136219453-TCTCC-T.
Other names: c.268_271del, p.Gly90fs (NM_001280787.1); short protein forms G199fs, G90fs.
Identifiers: ClinVar variation 1320126 (VCV001320126.1), dbSNP rs2119081217, ClinGen allele CA2573053131.

ClinVar aggregate classification (germline): Pathogenic (1 of 4 stars; one submission).

Conditions:
Leigh syndrome (NULS). Also called: Leigh's syndrome; Leigh Disease; Subacute necrotizing encephalopathy; Necrotizing encephalopathy infantile subacute of Leigh; Leigh's necrotizing encephalopathy; Leigh's disease. Identifiers: Orphanet 506, MedGen C2931891, MONDO:0009723, OMIM 256000.

Submission:

3billion
Classification: Pathogenic for Leigh syndrome. Last evaluated: 2021-10-02. Review status: criteria provided, single submitter. Criteria: ACMG Guidelines, 2015. Collection method: clinical testing. Allele origin: unknown. Affected: yes. Observed: 1 heterozygote.
Comment: Frameshift: predicted to result in a loss or disruption of normal protein function through nonsense-mediated decay (NMD) or protein truncation. Multiple pathogenic variants are reported downstream of the variant (PVS1_VS). It is not observed in the gnomAD v2.1.1 dataset (PM2). Patient's phenotype is considered compatible with Leigh syndrome, due to COX IV deficiency (3billion dataset, PP4). Therefore, this variant is classified as pathogenic according to the recommendation of ACMG/AMP guideline.